The following is an entry in ClinVar:

ClinVar aggregate classification (germline): Uncertain significance (1 of 4 stars; one submission).

Conditions:
Inborn genetic diseases. Identifiers: MedGen C0950123, MeSH D030342.

gnomAD v4.1: 1 of 1,600,602 alleles (0.000062%); highest among the groups gnomAD compares: Non-Finnish European, 0.000085%; no homozygotes.

Submission:

Ambry Genetics
Classification: Uncertain significance for Inborn genetic diseases. Last evaluated: 2026-05-14. Review status: criteria provided, single submitter. Criteria: Ambry Variant Classification Scheme 2023. Collection method: clinical testing. Allele origin: germline.
Comment: The p.V576I variant (also known as c.1726G>A), located in coding exon 11 of the ERCC6L2 gene, results from a G to A substitution at nucleotide position 1726. The valine at codon 576 is replaced by isoleucine, an amino acid with highly similar properties. This amino acid position is conserved. In addition, this alteration is predicted to be tolerated by in silico analysis. Based on the available evidence, the clinical significance of this variant remains unclear.

NM_020207.7(ERCC6L2):c.1726G>A (p.Val576Ile)

Gene: ERCC6L2 (ERCC excision repair 6 like 2; plus strand). Cytogenetic location: 9q22.32.
Variant type: single nucleotide variant.
Coding change: c.1726G>A on transcript NM_020207.7 (MANE Select); coding-DNA position 1726, G replaced by A.
Protein change: p.Val576Ile; replaces valine 576 with isoleucine.
Molecular consequence: missense variant. On other transcripts: non-coding transcript variant (1).
Genome position (GRCh38, 1-based): chr9:95,928,839, G>A. VCF-style: chr9-95928839-G-A. GRCh37 (hg19) VCF-style: chr9-98691121-G-A.
Other names: c.1726G>A, p.Val576Ile (NM_001010895.4, NM_001375291.1, NM_001375292.1 and 2 more transcripts); short protein forms V576I.
Identifiers: ClinVar variation 4870607 (VCV004870607.1).